The following is an entry in ClinVar:

NM_152906.7(TANGO2):c.56+219C>G

Gene: TANGO2 (transport and golgi organization 2 homolog; plus strand). Cytogenetic location: 22q11.21.
Variant type: single nucleotide variant.
Coding change: c.56+219C>G on transcript NM_152906.7 (MANE Select); 219 bases into the intron after coding-DNA position 56, C replaced by G.
Molecular consequence: intron variant. On other transcripts: nonsense (8), 5 prime UTR variant (4), non-coding transcript variant (1).
Genome position (GRCh38, 1-based): chr22:20,037,073, C>G. VCF-style: chr22-20037073-C-G. GRCh37 (hg19) VCF-style: chr22-20024596-C-G.
Other names: c.158C>G, p.Ser53Ter (NM_001283129.3, NM_001283215.3, NM_001322141.2 and 5 more transcripts); c.-145C>G (NM_001322148.2, NM_001322150.2, NM_001322172.2 and 1 more transcripts); c.56+219C>G (NM_001283106.3, NM_001322163.2, NM_001283179.3 and 10 more transcripts); c.-124+219C>G (NM_001322174.2, NM_001322160.2, NM_001322175.2 and 5 more transcripts); short protein forms S53*.
Identifiers: ClinVar variation 1208775 (VCV001208775.37), dbSNP rs186875212, ClinGen allele CA10106167.

ClinVar aggregate classification (germline): Benign/Likely benign. Review status: criteria provided, multiple submitters, no conflicts (2 of 4 stars). 5 submissions from 5 submitters: Benign (1); Likely benign (3). 1 of the submissions does not count toward it. Last evaluated 2026-08-01.

Conditions:
Recurrent metabolic encephalomyopathic crises-rhabdomyolysis-cardiac arrhythmia-intellectual disability syndrome (MECRCN). Also called: Metabolic encephalomyopathic crises, recurrent, with rhabdomyolysis, cardiac arrhythmias, and neurodegeneration; METABOLIC CRISES, RECURRENT, WITH RHABDOMYOLYSIS, CARDIAC ARRHYTHMIAS, AND NEURODEGENERATION; TANGO2 Deficiency. Identifiers: Orphanet 480864, MedGen C5567524, MONDO:0018820, OMIM 616878.
TANGO2-related disorder. Also called: TANGO2-related condition.

Allele frequency attached by ClinVar (database versions not stated): 1000 Genomes Project 0.00080; 1000 Genomes Project 30x 0.00094; TOPMed 0.00565; gnomAD 0.00581 and 0.00607; gnomAD exomes 0.00638; ExAC 0.00698; ESP Exome Variant Server 0.00715.
gnomAD v4.1: 14,735 of 1,531,824 alleles (0.96%); highest among the groups gnomAD compares: Non-Finnish European, 1.2%; 70 homozygotes.

Submissions (5):

CeGaT Center for Human Genetics Tuebingen
Classification: Benign. Last evaluated: 2026-08-01. Review status: criteria provided, single submitter. Criteria: CeGaT Center For Human Genetics Tuebingen Variant Classification Criteria Version 2. Collection method: clinical testing. Allele origin: germline. Affected: yes. Observed: 16 variant alleles.
Comment: TANGO2: BS1, BS2

Victorian Clinical Genetics Services, Murdoch Childrens Research Institute
Classification: Likely benign for Recurrent metabolic encephalomyopathic crises-rhabdomyolysis-cardiac arrhythmia-intellectual disability syndrome. Last evaluated: 2020-07-02. Review status: criteria provided, single submitter. Criteria: ACMG Guidelines, 2015. Collection method: clinical testing. Allele origin: germline. Inheritance: Autosomal recessive inheritance.
Comment: Based on the classification scheme VCGS_Germline_v1.3.3, this variant is classified as likely benign. Following criteria are met: 0102 - Loss of function is a known mechanism of disease in this gene and is associated with metabolic encephalomyopathic crises, recurrent, with rhabdomyolysis, cardiac arrhythmias, and neurodegeneration. (I) 0106 - This gene is associated with autosomal recessive disease. (I) 0202 - Variant is predicted to cause nonsense-mediated decay (NMD) and loss of protein (premature termination codon is located at least 54 nucleotides upstream of the final exon-exon junction), but is located in an exon that may undergo alternative splicing. This variant is non-coding in the predominantly expressed transcript (ClinVar). Transcripts in which this variant is protein-coding have minimal expression (GTEx). (SP) 0251 - This variant is heterozygous. (I) 0308 - Population frequency for this variant is out of keeping with known incidence of metabolic encephalomyopathic crises, recurrent, with rhabdomyolysis, cardiac arrhythmias, and neurodegeneration (gnomAD (v2) 1337 heterozygotes, 7 homozygotes). (SB) 0702 - Other NMD-predicted variants comparable to the one identified in this case have strong previous evidence for pathogenicity. However, these variants are protein-coding in the predominantly expressed transcript, and none are exclusively expressed in our transcript (ClinVar). (I) 0809 - Previous evidence of pathogenicity for this variant is inconclusive. This variant has been reported as a VUS (LOVD), and has not been reported in a patient with metabolic encephalomyopathic crises, recurrent, with rhabdomyolysis, cardiac arrhythmias, and neurodegeneration. (I) 0905 - No published segregation evidence has been identified for this variant. (I) 1007 - No published functional evidence has been identified for this variant. (I) 1208 - Inheritance information for this variant is not currently available in this individual. (I) Legend: (SP) - Supporting pathogenic, (I) - Information, (SB) - Supporting benign

GeneDx
Classification: Likely benign. Last evaluated: 2018-10-24. Review status: criteria provided, single submitter. Criteria: GeneDx Variant Classification Process June 2021. Collection method: clinical testing. Allele origin: germline. Affected: yes.
Comment: This variant is associated with the following publications: (PMID: 27902461)

Breakthrough Genomics
Classification: Likely benign. Review status: criteria provided, single submitter. Criteria: ACMG Guidelines, 2015. Collection method: not provided. Allele origin: germline. Inheritance: Autosomal recessive inheritance. Affected: yes.

PreventionGenetics, part of Exact Sciences
Classification: Likely benign for TANGO2-related condition. Last evaluated: 2019-05-02. Review status: no assertion criteria provided. Collection method: clinical testing. Allele origin: germline. Not counted in ClinVar's aggregate classification.
Comment: This variant is classified as likely benign based on ACMG/AMP sequence variant interpretation guidelines (Richards et al. 2015 PMID: 25741868, with internal and published modifications).